The following is an entry in ClinVar:

ClinVar aggregate classification (germline): Benign (1 of 4 stars; one submission).

Allele frequency attached by ClinVar (database versions not stated): 1000 Genomes Project 30x 0.94254; TOPMed 0.94382; gnomAD 0.94574 and 0.94939; 1000 Genomes Project 0.94828.
gnomAD v4.1: 144,632 of 152,258 alleles (95%); highest among the groups gnomAD compares: East Asian, 100%; 69,180 homozygotes.

Submission:

GeneDx
Classification: Benign. Last evaluated: 2018-06-18. Review status: criteria provided, single submitter. Criteria: GeneDx Variant Classification (06012015). Collection method: clinical testing. Allele origin: germline. Affected: yes.
Comment: This variant is considered likely benign or benign based on one or more of the following criteria: it is a conservative change, it occurs at a poorly conserved position in the protein, it is predicted to be benign by multiple in silico algorithms, and/or has population frequency not consistent with disease.

NM_014141.6(CNTNAP2):c.3797-275T>C

Gene: CNTNAP2 (contactin associated protein 2; plus strand). Cytogenetic location: 7q36.1.
Variant type: single nucleotide variant.
Coding change: c.3797-275T>C on transcript NM_014141.6 (MANE Select); 275 bases into the intron before coding-DNA position 3797, T replaced by C.
Molecular consequence: intron variant.
Genome position (GRCh38, 1-based): chr7:148,415,142, T>C. VCF-style: chr7-148415142-T-C. GRCh37 (hg19) VCF-style: chr7-148112234-T-C.
Identifiers: ClinVar variation 668103 (VCV000668103.1), dbSNP rs2530313, ClinGen allele CA168856401.